The following continues an entry in ClinVar:

NM_001018005.2(TPM1):c.574G>A (p.Glu192Lys)

Gene: TPM1. ClinVar aggregate classification (germline): Pathogenic/Likely pathogenic. Pathogenic (15); Likely pathogenic (7).

Submissions 21 to 25 of 25:

Laboratory for Molecular Medicine, Mass General Brigham Personalized Medicine
Classification: Likely pathogenic for Hypertrophic cardiomyopathy. Last evaluated: 2015-10-29. Review status: criteria provided, single submitter. Criteria: LMM Criteria. Collection method: clinical testing. Allele origin: germline. Observed: 27 variant alleles.
Comment: The p.Glu192Lys variant in TPM1 has been reported in more than 20 individuals wi th HCM (Van Driest 2003, Ho 2009, Probst 2011, Deva 2013, Kapplinger 2014, Coppi ni 2014, LMM unpublished data) and segregated with disease in 4 affected relativ es from 4 different families (LMM unpublished data). It is absent from large pop ulation studies. Glutamic acid (Glu) at position 192 is highly conserved in mamm als and across evolutionarily distant species and the change to Lysine (Lys) was predicted to be pathogenic using a computational tool clinically validated by o ur laboratory. This tool's pathogenic prediction is estimated to be correct 94% of the time (Jordan 2011). In summary, this variant is likely to be pathogenic, though additional studies are required to fully establish its clinical significa nce.

Juno Genomics, Hangzhou Juno Genomics, Inc
Classification: Likely pathogenic for Dilated cardiomyopathy 1Y; Hypertrophic cardiomyopathy 3. Review status: criteria provided, single submitter. Criteria: ACMG Guidelines, 2015. Collection method: clinical testing. Allele origin: germline.
Comment: Absent from controls (or at extremely low frequency if recessive) in Genome Aggregation Database.;Missense variant in a gene that has a low rate of benign missense variation.;The prevalence of the variant in affected individuals is significantly increased compared to the prevalence in controls.;Well-established in vitro or in vivo functional studies supportive of a damaging effect on the gene or gene product.;Co-segregation with disease in multiple affected family members.

Leiden Muscular Dystrophy (TPM1)
No classification provided. Last evaluated: 2012-04-15. Review status: no classification provided. Collection method: curation. Allele origin: germline. Not counted in ClinVar's aggregate classification.

OMIM
Classification: Pathogenic for LEFT VENTRICULAR NONCOMPACTION 9. Last evaluated: 2011-08-01. Review status: no assertion criteria provided. Collection method: literature only. Allele origin: germline. Not counted in ClinVar's aggregate classification.

Rajaie Cardiovascular, Medical and Research Center, Iran University of Medical Sciences
Classification: Pathogenic for Hypertrophic cardiomyopathy 3. Review status: no assertion criteria provided. Collection method: research. Allele origin: somatic. Inheritance: Autosomal dominant inheritance. Affected: yes. Observed: 1 heterozygote. Not counted in ClinVar's aggregate classification.
Comment: The TPM1 gene encodes Tropomyosin 1 which involves in the contractile system of striated and smooth muscles and the cytoskeleton of non-muscle cells. Mutations in TPM1 result in Hypertrophic cardiomyopathy with an autosomal dominant inheritance (OMIM: 115196).

Literature cited by the submitters: PubMed 18409188 (cited by 4 submitters); PubMed 20031602 (cited by 7 submitters); PubMed 21551322 (cited by 10 submitters); PubMed 23771913 (cited by 5 submitters); PubMed 24510615 (cited by 10 submitters); PubMed 26960954 (cited by 12 submitters); PubMed 27639548 (cited by 4 submitters); PubMed 21310275 (cited by 3 submitters); PubMed 33297573 (cited by 4 submitters); PubMed 12860912 (cited by 4 submitters); PubMed 34319370 (cited by 3 submitters); PubMed 35917600 (cited by North West Genomic Laboratory Hub, Manchester University NHS Foundation Trust); PubMed 27532257 (cited by 8 submitters); PubMed 25611685 (cited by 5 submitters); PubMed 28615295 (cited by 4 submitters); PubMed 31006259 (cited by 3 submitters); PubMed 23396983 (cited by 3 submitters); PubMed 25351510 (cited by 3 submitters); PubMed 25524337 (cited by 6 submitters); PubMed 31270709 (cited by Victorian Clinical Genetics Services, Murdoch Childrens Research Institute); PubMed 32731933 (cited by Victorian Clinical Genetics Services, Murdoch Childrens Research Institute); PubMed 32882290 (cited by Victorian Clinical Genetics Services, Murdoch Childrens Research Institute); PubMed 33642254 (cited by Victorian Clinical Genetics Services, Murdoch Childrens Research Institute); PubMed 34638741 (cited by Victorian Clinical Genetics Services, Murdoch Childrens Research Institute); PubMed 25241052 (cited by 5 submitters); PubMed 27376658 (cited by Ambry Genetics and Phosphorus, Inc.); PubMed 28986452 (cited by Ambry Genetics); PubMed 16365313 (cited by Phosphorus, Inc. and Laboratory for Molecular Medicine, Mass General Brigham Personalized Medicine); PubMed 18414213 (cited by Phosphorus, Inc.).